The following is an entry in ClinVar:

ClinVar aggregate classification (germline): Pathogenic (1 of 4 stars; one submission).

Conditions:
Developmental and epileptic encephalopathy, 54. Also called: Epileptic encephalopathy, early infantile, 54; HNRNPU-Related Neurodevelopmental Disorder. Identifiers: MedGen C4479319, MONDO:0033363, OMIM 617391.

Submission:

Labcorp Genetics (formerly Invitae), Labcorp
Classification: Pathogenic for Developmental and epileptic encephalopathy, 54. Last evaluated: 2020-02-02. Review status: criteria provided, single submitter. Criteria: Invitae Variant Classification Sherloc (09022015). Collection method: clinical testing. Allele origin: germline.
Comment: For these reasons, this variant has been classified as Pathogenic. Loss-of-function variants in HNRNPU are known to be pathogenic (PMID: 22678713, 28283832). This variant has not been reported in the literature in individuals with HNRNPU-related conditions. This variant is not present in population databases (ExAC no frequency). This sequence change creates a premature translational stop signal (p.Tyr765*) in the HNRNPU gene. It is expected to result in an absent or disrupted protein product.

Literature cited by the submitters: PubMed 22678713; PubMed 28283832.

NM_031844.3(HNRNPU):c.2291_2294dup (p.Tyr765Ter)

Gene: HNRNPU (heterogeneous nuclear ribonucleoprotein U; minus strand). Cytogenetic location: 1q44.
Variant type: Duplication.
Coding change: c.2291_2294dup on transcript NM_031844.3 (MANE Select); coding-DNA positions 2291 to 2294, 4 bases duplicated (GTTA; older notation c.2291_2294dupGTTA).
Protein change: p.Tyr765Ter; replaces tyrosine 765 with a stop codon.
Molecular consequence: nonsense.
Genome position (GRCh38, 1-based): chr1:244,855,482-244,855,485, TAAC duplicated on the plus strand (GTTA on the coding strand, the reverse complement: HNRNPU is on the minus strand); duplicating any 4 consecutive bases within chr1:244,855,482-244,855,487 gives the same sequence; the c. name uses the placement nearest the transcript's 3' end. VCF-style (leftmost placement, unchanged base first): chr1-244855481-G-GTAAC. GRCh37 (hg19) VCF-style: chr1-245018783-G-GTAAC.
Other names: c.2234_2237dup, p.Tyr746Ter (NM_004501.3); short protein forms Y746*, Y765*.
Identifiers: ClinVar variation 1073511 (VCV001073511.45), dbSNP rs2102984978, ClinGen allele CA2499214645.